The following is an entry in ClinVar:

ClinVar aggregate classification (germline): Uncertain significance (1 of 4 stars; one submission).

Allele frequency attached by ClinVar (database versions not stated): gnomAD 0.00003; TOPMed 0.00005; ExAC 0.00009; gnomAD exomes 0.00009.

Submission:

Labcorp Genetics (formerly Invitae), Labcorp
Classification: Uncertain significance. Last evaluated: 2024-11-05. Review status: criteria provided, single submitter. Criteria: Invitae Variant Classification Sherloc (09022015). Collection method: clinical testing. Allele origin: germline.
Comment: This sequence change replaces aspartic acid, which is acidic and polar, with asparagine, which is neutral and polar, at codon 228 of the COL18A1 protein (p.Asp228Asn). This variant is present in population databases (rs780058672, gnomAD 0.06%). This variant has not been reported in the literature in individuals affected with COL18A1-related conditions. ClinVar contains an entry for this variant (Variation ID: 1383227). Experimental studies and prediction algorithms are not available or were not evaluated, and the functional significance of this variant is currently unknown. In summary, the available evidence is currently insufficient to determine the role of this variant in disease. Therefore, it has been classified as a Variant of Uncertain Significance.

NM_001379500.1(COL18A1):c.682G>A (p.Asp228Asn)

Gene: COL18A1 (collagen type XVIII alpha 1 chain; plus strand). Cytogenetic location: 21q22.3.
Variant type: single nucleotide variant.
Coding change: c.682G>A on transcript NM_001379500.1 (MANE Select); coding-DNA position 682, G replaced by A.
Protein change: p.Asp228Asn; replaces aspartic acid 228 with asparagine.
Molecular consequence: missense variant.
Genome position (GRCh38, 1-based): chr21:45,473,925, G>A. VCF-style: chr21-45473925-G-A. GRCh37 (hg19) VCF-style: chr21-46893839-G-A.
Other names: c.1222G>A, p.Asp408Asn (NM_030582.4); c.1927G>A, p.Asp643Asn (NM_130444.3); short protein forms D408N, D643N, D228N.
Identifiers: ClinVar variation 1383227 (VCV001383227.5), dbSNP rs780058672, ClinGen allele CA10065845.
Genomic context (GRCh38, chr21:45,473,925, plus strand): 5'-CTGGTGACCCCTTTCTCTGTCTGCATTTAGGGGGTGATCGCTGAGCTGAAGGTGCGCAGG[G>A]ACCCCCAGGTGAGCCCCATGCACTGCCTGGACGAGGAAGGCGATGACTCAGATGGGGTGA-3'
Protein context (NP_001366429.1, residues 218-238): GVIAELKVRR[Asp228Asn]PQVSPMHCLD